The following is an entry in ClinVar:

ClinVar aggregate classification (germline): Likely benign. Review status: criteria provided, multiple submitters, no conflicts (2 of 4 stars). 4 submissions from 4 submitters: Likely benign (4). Last evaluated 2026-06-01.

Conditions:
AHDC1-related disorder. Also called: AHDC1-related condition.

Submissions (4):

CeGaT Center for Human Genetics Tuebingen
Classification: Likely benign. Last evaluated: 2026-06-01. Review status: criteria provided, single submitter. Criteria: CeGaT Center For Human Genetics Tuebingen Variant Classification Criteria Version 2. Collection method: clinical testing. Allele origin: germline. Affected: yes. Observed: 1 variant allele.
Comment: AHDC1: BS1

PreventionGenetics, part of Exact Sciences
Classification: Likely benign for AHDC1-related condition. Last evaluated: 2024-10-31. Review status: criteria provided, single submitter. Criteria: ACMG Guidelines, 2015. Collection method: clinical testing. Allele origin: germline.
Comment: This variant is classified as likely benign based on ACMG/AMP sequence variant interpretation guidelines (Richards et al. 2015 PMID: 25741868, with internal and published modifications).

Labcorp Genetics (formerly Invitae), Labcorp
Classification: Likely benign. Last evaluated: 2023-05-30. Review status: criteria provided, single submitter. Criteria: Invitae Variant Classification Sherloc (09022015). Collection method: clinical testing. Allele origin: germline.

GeneDx
Classification: Likely benign. Last evaluated: 2022-05-11. Review status: criteria provided, single submitter. Criteria: GeneDx Variant Classification Process June 2021. Collection method: clinical testing. Allele origin: germline. Affected: yes.
Comment: See Variant Classification Assertion Criteria.

NM_001371928.1(AHDC1):c.3254CCT[5] (p.Ser1090_Ser1091del)

Gene: AHDC1 (AT-hook DNA binding motif containing 1; minus strand). Cytogenetic location: 1p36.11.
Variant type: Microsatellite.
Coding change: c.3254CCT[5] on transcript NM_001371928.1 (MANE Select); five copies in a row of the 3-base unit CCT starting at c.3254; the reference has seven copies in a row; two copies, 6 bases deleted.
Protein change: p.Ser1090_Ser1091del.
Molecular consequence: inframe deletion.
Genome position (GRCh38, 1-based): chr1:27,548,842-27,548,847, AGGAGG deleted on the plus strand (CCTCCT on the coding strand, the reverse complement: AHDC1 is on the minus strand); deleting any 6 consecutive bases within chr1:27,548,842-27,548,862 gives the same sequence; the position shown is the placement nearest the transcript's 3' end. VCF-style (leftmost placement, unchanged base first): chr1-27548841-AAGGAGG-A. GRCh37 (hg19) VCF-style: chr1-27875352-AAGGAGG-A.
Other names: c.3254CCT[5], p.Ser1090_Ser1091del (NM_001029882.3); c.3269_3274del6 (NM_001029882.3).
Identifiers: ClinVar variation 1684104 (VCV001684104.10), dbSNP rs530256606, ClinGen allele CA715584.
Genomic context (GRCh38, chr1:27,548,841, plus strand): 5'-TGCCGGAAAGGCCACTGAGAAGCCCCCGCAAACTGCCGACAGTTCTCGGGCGAGGGCTGG[AAGGAGG>A]AGGAGGAGGAGGAGGCGGCAGAGGCTGCAGAGGTGGCAGAGGCTGTGGTGCCCTTGGGTA-3'